The following is an entry in ClinVar:

ClinVar aggregate classification (germline): Uncertain significance. Review status: criteria provided, multiple submitters, no conflicts (2 of 4 stars). 2 submissions from 2 submitters: Uncertain significance (2). Last evaluated 2025-01-17.

Conditions:
Inborn genetic diseases. Identifiers: MedGen C0950123, MeSH D030342.
Sialuria. Also called: Sialic Acid Storage Disease; SIALURIA, FRENCH TYPE. Identifiers: Orphanet 3166, MedGen C0342853, MONDO:0010028, OMIM 269921.
GNE myopathy (NM). Also called: INCLUSION BODY MYOPATHY 2, AUTOSOMAL RECESSIVE; INCLUSION BODY MYOPATHY, HEREDITARY, AUTOSOMAL RECESSIVE; MYOPATHY, DISTAL, WITH OR WITHOUT RIMMED VACUOLES; IBM 2; Inclusion body myopathy autosomal recessive; Inclusion body myopathy quadriceps sparing. Identifiers: Orphanet 602, MedGen C1853926, MONDO:0011603, OMIM 605820.

gnomAD v4.1: 3 of 1,613,884 alleles (0.00019%); highest among the groups gnomAD compares: Non-Finnish European, 0.00025%; no homozygotes.

Submissions (2):

Ambry Genetics
Classification: Uncertain significance for Inborn genetic diseases. Last evaluated: 2025-01-17. Review status: criteria provided, single submitter. Criteria: Ambry Variant Classification Scheme 2023. Collection method: clinical testing. Allele origin: germline.

Labcorp Genetics (formerly Invitae), Labcorp
Classification: Uncertain significance for Sialuria; GNE myopathy. Last evaluated: 2024-12-10. Review status: criteria provided, single submitter. Criteria: Invitae Variant Classification Sherloc (09022015). Collection method: clinical testing. Allele origin: germline.
Comment: This sequence change replaces valine, which is neutral and non-polar, with alanine, which is neutral and non-polar, at codon 443 of the GNE protein (p.Val443Ala). This variant is not present in population databases (gnomAD no frequency). This variant has not been reported in the literature in individuals affected with GNE-related conditions. Invitae Evidence Modeling of protein sequence and biophysical properties (such as structural, functional, and spatial information, amino acid conservation, physicochemical variation, residue mobility, and thermodynamic stability) has been performed for this missense variant. However, the output from this modeling did not meet the statistical confidence thresholds required to predict the impact of this variant on GNE protein function. In summary, the available evidence is currently insufficient to determine the role of this variant in disease. Therefore, it has been classified as a Variant of Uncertain Significance.

NM_005476.7(GNE):c.1235T>C (p.Val412Ala)

Gene: GNE (glucosamine (UDP-N-acetyl)-2-epimerase/N-acetylmannosamine kinase; minus strand). Cytogenetic location: 9p13.3.
Variant type: single nucleotide variant.
Coding change: c.1235T>C on transcript NM_005476.7 (MANE Select); coding-DNA position 1235, T replaced by C.
Protein change: p.Val412Ala; replaces valine 412 with alanine.
Molecular consequence: missense variant.
Genome position (GRCh38, 1-based): chr9:36,227,294, A>G on the plus strand (T>C on the coding strand, the complement: GNE is on the minus strand). VCF-style: chr9-36227294-A-G. GRCh37 (hg19) VCF-style: chr9-36227291-A-G.
Other names: c.1328T>C, p.Val443Ala (NM_001128227.3); c.1235T>C, p.Val412Ala (NM_001190383.3); c.905T>C, p.Val302Ala (NM_001190384.3); c.1058T>C, p.Val353Ala (NM_001190388.2, NM_001374798.1); c.1082T>C, p.Val361Ala (NM_001374797.1); c.1328T>C (NM_001128227.2); short protein forms V302A, V353A, V361A, V412A, V443A.
Identifiers: ClinVar variation 3750151 (VCV003750151.3).